The following is an entry in ClinVar:

NM_002282.3(KRT83):c.814C>T (p.Arg272Trp)

Gene: KRT83 (keratin 83; minus strand). Cytogenetic location: 12q13.13.
Variant type: single nucleotide variant.
Coding change: c.814C>T on transcript NM_002282.3 (MANE Select); coding-DNA position 814, C replaced by T.
Protein change: p.Arg272Trp; replaces arginine 272 with tryptophan.
Molecular consequence: missense variant.
Genome position (GRCh38, 1-based): chr12:52,316,960, G>A on the plus strand (C>T on the coding strand, the complement: KRT83 is on the minus strand). VCF-style: chr12-52316960-G-A. GRCh37 (hg19) VCF-style: chr12-52710744-G-A.
Other names: short protein forms R272W.
Identifiers: ClinVar variation 3116748 (VCV003116748.2), dbSNP rs775360623, ClinGen allele CA6577511.
Genomic context (GRCh38, chr12:52,316,960, plus strand): 5'-TGGCAATGTCATCATACTGTGCCTTGATCTCGGCAACGATGCAGTCCATGTTCAGGTCCC[G>A]GCTGTTGTCCAGCTTGACAACCACGGAGGTGTCTGAGATGTGGGATTGGAGAATGCGGAT-3'
Protein context (NP_002273.3, residues 262-282): TSVVVKLDNS[Arg272Trp]DLNMDCIVAE

ClinVar aggregate classification (germline): Uncertain significance. Review status: criteria provided, multiple submitters, no conflicts (2 of 4 stars). 2 submissions from 2 submitters: Uncertain significance (2). Last evaluated 2025-12-04.

Allele frequency attached by ClinVar (database versions not stated): ExAC 0.00007; gnomAD exomes 0.00010; gnomAD 0.00011; TOPMed 0.00011.

Submissions (2):

Labcorp Genetics (formerly Invitae), Labcorp
Classification: Uncertain significance. Last evaluated: 2025-12-04. Review status: criteria provided, single submitter. Criteria: Invitae Variant Classification Sherloc (09022015). Collection method: clinical testing. Allele origin: germline.
Comment: This sequence change replaces arginine, which is basic and polar, with tryptophan, which is neutral and slightly polar, at codon 272 of the KRT83 protein (p.Arg272Trp). This variant is present in population databases (rs775360623, gnomAD 0.01%). This variant has not been reported in the literature in individuals affected with KRT83-related conditions. ClinVar contains an entry for this variant (Variation ID: 3116748). Invitae Evidence Modeling of protein sequence and biophysical properties (such as structural, functional, and spatial information, amino acid conservation, physicochemical variation, residue mobility, and thermodynamic stability) indicates that this missense variant is not expected to disrupt KRT83 protein function with a negative predictive value of 80%. In summary, the available evidence is currently insufficient to determine the role of this variant in disease. Therefore, it has been classified as a Variant of Uncertain Significance.

Ambry Genetics
Classification: Uncertain significance. Last evaluated: 2023-09-26. Review status: criteria provided, single submitter. Criteria: Ambry Variant Classification Scheme 2023. Collection method: clinical testing. Allele origin: germline.